The following is an entry in ClinVar:

ClinVar aggregate classification (germline): Uncertain significance. Review status: criteria provided, single submitter (1 of 4 stars). 2 submissions from 2 submitters: Uncertain significance (1). 1 of the submissions does not count toward it. Last evaluated 2022-04-29.

Conditions:
CFAP418-related disorder. Also called: CFAP418-related condition.

Submissions (2):

Blueprint Genetics
Classification: Uncertain significance. Last evaluated: 2022-04-29. Review status: criteria provided, single submitter. Criteria: ACMG Guidelines, 2015. Collection method: clinical testing. Allele origin: germline.

PreventionGenetics, part of Exact Sciences
Classification: Uncertain significance for CFAP418-related condition. Last evaluated: 2024-05-31. Review status: no assertion criteria provided. Collection method: clinical testing. Allele origin: germline. Not counted in ClinVar's aggregate classification.
Comment: The CFAP418 c.442G>C variant is predicted to result in the amino acid substitution p.Asp148His. To our knowledge, this variant has not been reported in the literature. This variant is reported in 0.0065% of alleles in individuals of European (Non-Finnish) descent in gnomAD. At this time, the clinical significance of this variant is uncertain due to the absence of conclusive functional and genetic evidence.

NM_177965.4(CFAP418):c.442G>C (p.Asp148His)

Gene: CFAP418 (cilia and flagella associated protein 418; minus strand). Cytogenetic location: 8q22.1.
Variant type: single nucleotide variant.
Coding change: c.442G>C on transcript NM_177965.4 (MANE Select); coding-DNA position 442, G replaced by C.
Protein change: p.Asp148His; replaces aspartic acid 148 with histidine.
Molecular consequence: missense variant. On other transcripts: intron variant (1).
Genome position (GRCh38, 1-based): chr8:95,252,216, C>G on the plus strand (G>C on the coding strand, the complement: CFAP418 is on the minus strand). VCF-style: chr8-95252216-C-G. GRCh37 (hg19) VCF-style: chr8-96264444-C-G.
Other names: c.375-4446G>C (NM_001363260.1); short protein forms D148H.
Identifiers: ClinVar variation 3345624 (VCV003345624.2).